The following is an entry in ClinVar:

NM_000059.4(BRCA2):c.6365T>G (p.Met2122Arg)

Gene: BRCA2 (BRCA2 DNA repair associated; plus strand). Cytogenetic location: 13q13.1.
Variant type: single nucleotide variant.
Coding change: c.6365T>G on transcript NM_000059.4 (MANE Select); coding-DNA position 6365, T replaced by G.
Protein change: p.Met2122Arg; replaces methionine 2122 with arginine.
Molecular consequence: missense variant. On other transcripts: non-coding transcript variant (1), intron variant (2).
Genome position (GRCh38, 1-based): chr13:32,340,720, T>G. VCF-style: chr13-32340720-T-G. GRCh37 (hg19) VCF-style: chr13-32914857-T-G.
Other names: c.6365T>G, p.Met2122Arg (NM_001406719.1, NM_001406720.1, NM_001432077.1); c.1910-3838T>G (NM_001406721.1); c.425-3838T>G (NM_001406722.1); short protein forms M2122R.
Identifiers: ClinVar variation 3636506 (VCV003636506.2).

ClinVar aggregate classification (germline): Uncertain significance (1 of 4 stars; one submission).

Conditions:
Hereditary breast ovarian cancer syndrome. Also called: Hereditary breast and ovarian cancer syndrome; Hereditary breast and ovarian cancer syndrome (HBOC); BRCA1- and BRCA2-Associated Hereditary Breast and Ovarian Cancer; Hereditary breast and ovarian cancer; Breast and ovarian cancer; Hereditary breast and/or ovarian cancer syndrome. Identifiers: Orphanet 145, MedGen C0677776, MeSH D061325, MONDO:0003582. Disease mechanism: loss of function.

gnomAD v4.1: 1 of 1,606,470 alleles (0.000062%); highest among the groups gnomAD compares: Non-Finnish European, 0.000085%; no homozygotes.

Submission:

Labcorp Genetics (formerly Invitae), Labcorp
Classification: Uncertain significance for Hereditary breast ovarian cancer syndrome. Last evaluated: 2024-07-30. Review status: criteria provided, single submitter. Criteria: Invitae Variant Classification Sherloc (09022015). Collection method: clinical testing. Allele origin: germline.
Comment: This sequence change replaces methionine, which is neutral and non-polar, with arginine, which is basic and polar, at codon 2122 of the BRCA2 protein (p.Met2122Arg). This variant is not present in population databases (gnomAD no frequency). This variant has not been reported in the literature in individuals affected with BRCA2-related conditions. Advanced modeling of protein sequence and biophysical properties (such as structural, functional, and spatial information, amino acid conservation, physicochemical variation, residue mobility, and thermodynamic stability) performed at Invitae indicates that this missense variant is not expected to disrupt BRCA2 protein function with a negative predictive value of 95%. In summary, the available evidence is currently insufficient to determine the role of this variant in disease. Therefore, it has been classified as a Variant of Uncertain Significance.